The following is an entry in ClinVar:

NM_080669.6(SLC46A1):c.194del (p.Gly65fs)

Gene: SLC46A1 (solute carrier family 46 member 1; minus strand). Cytogenetic location: 17q11.2.
Variant type: Deletion.
Coding change: c.194del on transcript NM_080669.6 (MANE Select); coding-DNA position 194, one base deleted (G; older notation c.194delG).
Protein change: p.Gly65fs; shifts the reading frame from glycine 65.
Molecular consequence: frameshift variant.
Genome position (GRCh38, 1-based): chr17:28,405,921, C deleted on the plus strand (G on the coding strand, the reverse complement: SLC46A1 is on the minus strand); the first of 7 consecutive C bases (chr17:28,405,921-28,405,927); deleting any one gives the same sequence. VCF-style (leftmost placement, unchanged base first): chr17-28405920-GC-G. GRCh37 (hg19) VCF-style: chr17-26732938-GC-G.
Other names: c.194del, p.Gly65fs (NM_001242366.3); c.194del, p.Gly65Alafs (LRG_183t1); short protein forms G65fs.
Identifiers: ClinVar variation 851 (VCV000000851.6), dbSNP rs80338769, ClinGen allele CA026500.

ClinVar aggregate classification (germline): Pathogenic. Review status: criteria provided, single submitter (1 of 4 stars). 3 submissions from 3 submitters: Pathogenic (1). 2 of the submissions do not count toward it. Last evaluated 2023-09-11.

Conditions:
Congenital defect of folate absorption. Also called: Hereditary Folate Malabsorption. Identifiers: Orphanet 90045, MedGen C0342705, MONDO:0009238, OMIM 229050.

Submissions (3):

Labcorp Genetics (formerly Invitae), Labcorp
Classification: Pathogenic. Last evaluated: 2023-09-11. Review status: criteria provided, single submitter. Criteria: Invitae Variant Classification Sherloc (09022015). Collection method: clinical testing. Allele origin: germline.
Comment: This sequence change creates a premature translational stop signal (p.Gly65Alafs*25) in the SLC46A1 gene. It is expected to result in an absent or disrupted protein product. Loss-of-function variants in SLC46A1 are known to be pathogenic (PMID: 17446347, 21333572). The frequency data for this variant in the population databases is considered unreliable, as metrics indicate poor data quality at this position in the gnomAD database. This premature translational stop signal has been observed in individual(s) with hereditary folate malabsorption (PMID: 17446347). ClinVar contains an entry for this variant (Variation ID: 851). For these reasons, this variant has been classified as Pathogenic.

OMIM
Classification: Pathogenic for FOLATE MALABSORPTION, HEREDITARY. Last evaluated: 2007-08-15. Review status: no assertion criteria provided. Collection method: literature only. Allele origin: germline. Not counted in ClinVar's aggregate classification.

GeneReviews
No classification provided. Condition: Congenital defect of folate absorption. Review status: no classification provided. Collection method: literature only. Allele origin: unknown. Not counted in ClinVar's aggregate classification.

Literature cited by the submitters: PubMed 17446347 (cited by 3 submitters); PubMed 21333572 (cited by Labcorp Genetics (formerly Invitae), Labcorp); PubMed 20301716 (cited by GeneReviews); NCBI Bookshelf NBK1673 (cited by GeneReviews).